The following is an entry in ClinVar:

ClinVar aggregate classification (germline): Uncertain significance (1 of 4 stars; one submission).

Conditions:
Adams-Oliver syndrome 5 (AOS5). Identifiers: Orphanet 974, MedGen C4014970, MONDO:0014459, OMIM 616028.

gnomAD v4.1: 8 of 1,554,970 alleles (0.00051%); highest among the groups gnomAD compares: African/African-American, 0.0014%; no homozygotes.

Submission:

Labcorp Genetics (formerly Invitae), Labcorp
Classification: Uncertain significance for Adams-Oliver syndrome 5. Last evaluated: 2024-10-16. Review status: criteria provided, single submitter. Criteria: Invitae Variant Classification Sherloc (09022015). Collection method: clinical testing. Allele origin: germline.
Comment: This sequence change replaces arginine, which is basic and polar, with glycine, which is neutral and non-polar, at codon 217 of the NOTCH1 protein (p.Arg217Gly). This variant is not present in population databases (gnomAD no frequency). This variant has not been reported in the literature in individuals affected with NOTCH1-related conditions. Invitae Evidence Modeling of protein sequence and biophysical properties (such as structural, functional, and spatial information, amino acid conservation, physicochemical variation, residue mobility, and thermodynamic stability) indicates that this missense variant is not expected to disrupt NOTCH1 protein function with a negative predictive value of 95%. In summary, the available evidence is currently insufficient to determine the role of this variant in disease. Therefore, it has been classified as a Variant of Uncertain Significance.

NM_017617.5(NOTCH1):c.649C>G (p.Arg217Gly)

Gene: NOTCH1 (notch receptor 1; minus strand). Cytogenetic location: 9q34.3.
Variant type: single nucleotide variant.
Coding change: c.649C>G on transcript NM_017617.5 (MANE Select); coding-DNA position 649, C replaced by G.
Protein change: p.Arg217Gly; replaces arginine 217 with glycine.
Molecular consequence: missense variant.
Genome position (GRCh38, 1-based): chr9:136,522,943, G>C on the plus strand (C>G on the coding strand, the complement: NOTCH1 is on the minus strand). VCF-style: chr9-136522943-G-C. GRCh37 (hg19) VCF-style: chr9-139417395-G-C.
Other names: short protein forms R217G.
Identifiers: ClinVar variation 3635981 (VCV003635981.2).